The following is an entry in ClinVar:

NM_017654.4(SAMD9):c.431A>G (p.Glu144Gly)

Gene: SAMD9 (sterile alpha motif domain containing 9; minus strand). Cytogenetic location: 7q21.2.
Variant type: single nucleotide variant.
Coding change: c.431A>G on transcript NM_017654.4 (MANE Select); coding-DNA position 431, A replaced by G.
Protein change: p.Glu144Gly; replaces glutamic acid 144 with glycine.
Molecular consequence: missense variant.
Genome position (GRCh38, 1-based): chr7:93,105,667, T>C on the plus strand (A>G on the coding strand, the complement: SAMD9 is on the minus strand). VCF-style: chr7-93105667-T-C. GRCh37 (hg19) VCF-style: chr7-92734980-T-C.
Other names: c.431A>G, p.Glu144Gly (NM_001193307.2); short protein forms E144G.
Identifiers: ClinVar variation 4797619 (VCV004797619.1).

ClinVar aggregate classification (germline): Uncertain significance (1 of 4 stars; one submission).

Submission:

Labcorp Genetics (formerly Invitae), Labcorp
Classification: Uncertain significance. Last evaluated: 2025-11-19. Review status: criteria provided, single submitter. Criteria: Invitae Variant Classification Sherloc (09022015). Collection method: clinical testing. Allele origin: germline.
Comment: This sequence change replaces glutamic acid, which is acidic and polar, with glycine, which is neutral and non-polar, at codon 144 of the SAMD9 protein (p.Glu144Gly). This variant is not present in population databases (gnomAD no frequency). This variant has not been reported in the literature in individuals affected with SAMD9-related conditions. Invitae Evidence Modeling of protein sequence and biophysical properties (such as structural, functional, and spatial information, amino acid conservation, physicochemical variation, residue mobility, and thermodynamic stability) indicates that this missense variant is not expected to disrupt SAMD9 protein function with a negative predictive value of 95%. In summary, the available evidence is currently insufficient to determine the role of this variant in disease. Therefore, it has been classified as a Variant of Uncertain Significance.